The following is an entry in ClinVar:

ClinVar aggregate classification (germline): Conflicting classifications of pathogenicity. Review status: criteria provided, conflicting classifications (1 of 4 stars). 3 submissions from 3 submitters: Uncertain significance (2); Likely benign (1). Last evaluated 2026-01-27.

Conditions:
Inborn genetic diseases. Identifiers: MedGen C0950123, MeSH D030342.
Spastic paraplegia. Identifiers: MedGen C0037772, HP:0001258.

Submissions (3):

Labcorp Genetics (formerly Invitae), Labcorp
Classification: Likely benign for Spastic paraplegia. Last evaluated: 2026-01-27. Review status: criteria provided, single submitter. Criteria: Invitae Variant Classification Sherloc (09022015). Collection method: clinical testing. Allele origin: germline.

Ambry Genetics
Classification: Uncertain significance for Inborn genetic diseases. Last evaluated: 2022-10-18. Review status: criteria provided, single submitter. Criteria: Ambry Variant Classification Scheme 2023. Collection method: clinical testing. Allele origin: germline.
Comment: The c.299-4_299-3delTC alteration is located in Intron 5 (E) of the ERLIN2 gene. This alteration consists of a deletion of 2 nucleotides between nucleotide positions c.299-4 and c.299-3 Intron 5 (E). Based on insufficient or conflicting evidence, the clinical significance of this alteration remains unclear.

Genetic Services Laboratory, University of Chicago
Classification: Uncertain significance. Last evaluated: 2016-06-02. Review status: criteria provided, single submitter. Criteria: ACMG Guidelines, 2015. Collection method: clinical testing. Allele origin: germline. Affected: no.

NM_007175.8(ERLIN2):c.299-4_299-3del

Gene: ERLIN2 (ER lipid raft associated 2; plus strand). Cytogenetic location: 8p11.23.
Variant type: Microsatellite.
Coding change: c.299-4_299-3del on transcript NM_007175.8 (MANE Select); 4 bases into the intron before coding-DNA position 299 through 3 bases into the intron before coding-DNA position 299, 2 bases deleted (TC; older notation c.299-4_299-3delTC).
Molecular consequence: intron variant.
Genome position (GRCh38, 1-based): chr8:37,744,567-37,744,568, TC deleted; deleting any 2 consecutive bases within chr8:37,744,564-37,744,568 gives the same sequence; the c. name uses the placement nearest the transcript's 3' end. VCF-style (leftmost placement, unchanged base first): chr8-37744563-CCT-C. GRCh37 (hg19) VCF-style: chr8-37602081-CCT-C.
Other names: c.299-4_299-3del (NM_001362878.2, NM_001362880.2, NM_001003790.4 and 1 more transcripts); c.299-4_299-3delTC (NM_007175.6).
Identifiers: ClinVar variation 435088 (VCV000435088.14), dbSNP rs778852699, ClinGen allele CA4710676.